The following is an entry in ClinVar:

NM_001098426.2(SMARCD2):c.198C>G (p.Gly66=)

Genes: SMARCD2 (SWI/SNF related BAF chromatin remodeling complex subunit D2; minus strand), LOC130061409 (ATAC-STARR-seq lymphoblastoid silent region 8832; plus strand). Cytogenetic location: 17q23.3.
Variant type: single nucleotide variant.
Coding change: c.198C>G on transcript NM_001098426.2 (MANE Select); coding-DNA position 198, C replaced by G.
Protein change: p.Gly66=; no amino-acid change (glycine 66 retained).
Molecular consequence: synonymous variant.
Genome position (GRCh38, 1-based): chr17:63,842,477, G>C on the plus strand (C>G on the coding strand, the complement: SMARCD2 is on the minus strand). VCF-style: chr17-63842477-G-C. GRCh37 (hg19) VCF-style: chr17-61919837-G-C.
Identifiers: ClinVar variation 3049092 (VCV003049092.2), dbSNP rs2144642978, ClinGen allele CA501203371.

ClinVar aggregate classification (germline): Likely benign (0 of 4 stars; one submission).

Conditions:
SMARCD2-related disorder. Also called: SMARCD2-related condition.

Submission:

PreventionGenetics, part of Exact Sciences
Classification: Likely benign for SMARCD2-related condition. Last evaluated: 2020-11-30. Review status: no assertion criteria provided. Collection method: clinical testing. Allele origin: germline.
Comment: This variant is classified as likely benign based on ACMG/AMP sequence variant interpretation guidelines (Richards et al. 2015 PMID: 25741868, with internal and published modifications).